The following is an entry in ClinVar:

ClinVar aggregate classification (germline): Uncertain significance. Review status: criteria provided, multiple submitters, no conflicts (2 of 4 stars). 3 submissions from 3 submitters: Uncertain significance (3). Last evaluated 2025-06-23.

Conditions:
Inborn genetic diseases. Identifiers: MedGen C0950123, MeSH D030342.

Allele frequency attached by ClinVar (database versions not stated): ExAC 0.00004; gnomAD 0.00004 and 0.00005; gnomAD exomes 0.00005; TOPMed 0.00005.
gnomAD v4.1: 45 of 1,613,048 alleles (0.0028%); highest among the groups gnomAD compares: Middle Eastern, 0.049%; no homozygotes.

Submissions (3):

Ambry Genetics
Classification: Uncertain significance for Inborn genetic diseases. Last evaluated: 2025-06-23. Review status: criteria provided, single submitter. Criteria: Ambry Variant Classification Scheme 2023. Collection method: clinical testing. Allele origin: germline.

Blueprint Genetics
Classification: Uncertain significance. Last evaluated: 2024-09-06. Review status: criteria provided, single submitter. Criteria: ACMG Guidelines, 2015. Collection method: clinical testing. Allele origin: germline.

GeneDx
Classification: Uncertain significance. Last evaluated: 2021-11-24. Review status: criteria provided, single submitter. Criteria: GeneDx Variant Classification Process June 2021. Collection method: clinical testing. Allele origin: germline. Affected: yes.
Comment: In silico analysis supports that this missense variant has a deleterious effect on protein structure/function; Has not been previously published as pathogenic or benign to our knowledge

NM_001543.5(NDST1):c.161C>G (p.Pro54Arg)

Gene: NDST1 (N-deacetylase and N-sulfotransferase 1; plus strand). Cytogenetic location: 5q33.1.
Variant type: single nucleotide variant.
Coding change: c.161C>G on transcript NM_001543.5 (MANE Select); coding-DNA position 161, C replaced by G.
Protein change: p.Pro54Arg; replaces proline 54 with arginine.
Molecular consequence: missense variant.
Genome position (GRCh38, 1-based): chr5:150,521,415, C>G. VCF-style: chr5-150521415-C-G. GRCh37 (hg19) VCF-style: chr5-149900977-C-G.
Other names: c.161C>G, p.Pro54Arg (NM_001301063.2); short protein forms P54R.
Identifiers: ClinVar variation 1687702 (VCV001687702.4), dbSNP rs140436588, ClinGen allele CA3512339.